The following is an entry in ClinVar:

ClinVar aggregate classification (germline): Pathogenic (1 of 4 stars; one submission).

Submission:

Quest Diagnostics Nichols Institute San Juan Capistrano
Classification: Pathogenic. Last evaluated: 2025-11-04. Review status: criteria provided, single submitter. Criteria: Quest Diagnostics criteria. Collection method: clinical testing. Allele origin: unknown.
Comment: This variant results in the deletion of a genomic region which encompasses at least the entire TSC1 gene (c.-234_*4887). In the published literature, a similar deletion of the entire TSC1 gene has been reported in individuals with tuberous sclerosis (PMIDs: 17287951 (2007). 20877415 (2011), 26540169 (2015), 32461669 (2020)). This variant has not been reported in large, multi-ethnic general populations (Genome Aggregation Database). Based on the available information, this variant is classified as pathogenic.

Single allele

Gene: TSC1 (TSC complex subunit 1; minus strand). Cytogenetic location: 9q34.13.
Variant type: Deletion.
Identifiers: ClinVar variation 4533179 (VCV004533179.1).